The following is an entry in ClinVar:

NM_001369.3(DNAH5):c.8330C>G (p.Thr2777Ser)

Gene: DNAH5 (dynein axonemal heavy chain 5; minus strand). Cytogenetic location: 5p15.2.
Variant type: single nucleotide variant.
Coding change: c.8330C>G on transcript NM_001369.3 (MANE Select); coding-DNA position 8330, C replaced by G.
Protein change: p.Thr2777Ser; replaces threonine 2777 with serine.
Molecular consequence: missense variant.
Genome position (GRCh38, 1-based): chr5:13,792,112, G>C on the plus strand (C>G on the coding strand, the complement: DNAH5 is on the minus strand). VCF-style: chr5-13792112-G-C. GRCh37 (hg19) VCF-style: chr5-13792221-G-C.
Other names: short protein forms T2777S.
Identifiers: ClinVar variation 4706217 (VCV004706217.1).

ClinVar aggregate classification (germline): Uncertain significance (1 of 4 stars; one submission).

Conditions:
Primary ciliary dyskinesia. Also called: Ciliary dyskinesia. Identifiers: Orphanet 244, MedGen C0008780, MONDO:0016575, HP:0012265.

gnomAD v4.1: 1 of 1,613,856 alleles (0.000062%); highest among the groups gnomAD compares: Non-Finnish European, 0.000085%; no homozygotes.

Submission:

Labcorp Genetics (formerly Invitae), Labcorp
Classification: Uncertain significance for Primary ciliary dyskinesia. Last evaluated: 2026-01-06. Review status: criteria provided, single submitter. Criteria: Invitae Variant Classification Sherloc (09022015). Collection method: clinical testing. Allele origin: germline.
Comment: This sequence change replaces threonine, which is neutral and polar, with serine, which is neutral and polar, at codon 2777 of the DNAH5 protein (p.Thr2777Ser). This variant is not present in population databases (gnomAD no frequency). This variant has not been reported in the literature in individuals affected with DNAH5-related conditions. Invitae Evidence Modeling of protein sequence and biophysical properties (such as structural, functional, and spatial information, amino acid conservation, physicochemical variation, residue mobility, and thermodynamic stability) indicates that this missense variant is not expected to disrupt DNAH5 protein function with a negative predictive value of 95%. In summary, the available evidence is currently insufficient to determine the role of this variant in disease. Therefore, it has been classified as a Variant of Uncertain Significance.